The following is an entry in ClinVar:

ClinVar aggregate classification (germline): Pathogenic (1 of 4 stars; one submission).

Submission:

Quest Diagnostics Nichols Institute San Juan Capistrano
Classification: Pathogenic. Last evaluated: 2021-12-23. Review status: criteria provided, single submitter. Criteria: ACMG/ClinGen CNV Guidelines, 2019. Collection method: clinical testing. Allele origin: unknown.
Comment: The copy number gain of 11p15.5p15.4 involves numerous protein-coding genes, including H19 (OMIM 103280), IGF2 (OMIM 147470), and KCNQ1 (OMIM 607542). Collectively, these genes are involved in two neighboring imprinted domains (ICR1 - OMIM 616186 and ICR2; see OMIM entry for KCNQ1). Copy number gains in this region have been associated with Beckwith-Wiedemann syndrome (BWS; OMIM 130650) and Silver-Russell syndrome 1 (SRS1; OMIM 180860). BWS is a pediatric overgrowth disorder involving a predisposition to tumor development. The clinical presentation is highly variable; some cases lack the hallmark features of exomphalos, macroglossia, and gigantism. SRS1 is a heterogeneous condition characterized by severe intrauterine growth retardation, poor postnatal growth, craniofacial features such as a triangular shaped face and a broad forehead, body asymmetry, and a variety of minor malformations. The phenotypic expression changes during childhood and adolescence, with the facial features and asymmetry usually becoming more subtle with age. Hypomethylation at distal chromosome 11p15 (ICR1) represents a major cause of the disorder. Copy number gains of this locus have been associated with a clinical phenotype with incomplete penetrance (Ounap 2016; Crippa 2019). There are no similar copy number gains of this region in the general populations of the Database of Genomi cVariants. Thus, the clinical significance of this copy number variant (CNV) is pathogenic. References: Crippa et al., Front Genet. 2019 Oct 15;10:955. PMID: 31749829. Ounap et al., Mol Syndromol. 2016 Jul;7(3):110-21. PMID: 27587987.

GRCh37/hg19 11p15.5-15.4(chr11:230616-8250724)x3

Genes: ANO9 (anoctamin 9; minus strand), AP2A2 (adaptor related protein complex 2 subunit alpha 2; plus strand), APBB1 (amyloid beta precursor protein binding family B member 1; minus strand), ARFIP2 (ARF interacting protein 2; minus strand), ART1 (ADP-ribosyltransferase 1; plus strand) and 202 more. Cytogenetic location: 11p15.5-15.4.
Variant type: copy number gain.
Change: copy number 3 (three copies instead of two) of chr11:230,616-8,250,724 (8.02 Mb, GRCh37 coordinates, 1-based), cytogenetic band 11p15.5-15.4.
Identifiers: ClinVar variation 1807629 (VCV001807629.1).